The following is an entry in ClinVar:

NM_000290.4(PGAM2):c.51C>A (p.Asn17Lys)

Genes: DBNL (drebrin like; plus strand), PGAM2 (phosphoglycerate mutase 2; minus strand). Cytogenetic location: 7p13.
Variant type: single nucleotide variant.
Coding change: c.51C>A on transcript NM_000290.4 (MANE Select); coding-DNA position 51, C replaced by A.
Protein change: p.Asn17Lys; replaces asparagine 17 with lysine.
Molecular consequence: missense variant. On other transcripts: 3 prime UTR variant (6).
Genome position (GRCh38, 1-based): chr7:44,065,479, G>T on the plus strand (C>A on the coding strand, the complement: PGAM2 is on the minus strand). VCF-style: chr7-44065479-G-T. GRCh37 (hg19) VCF-style: chr7-44105078-G-T.
Other names: c.*4563G>T (NM_001014436.3, NM_001122956.2, NM_001284313.2 and 3 more transcripts); c.51C>A (NM_000290.3); short protein forms N17K.
Identifiers: ClinVar variation 1982149 (VCV001982149.4), dbSNP rs779880310, ClinGen allele CA4236685.

ClinVar aggregate classification (germline): Uncertain significance. Review status: criteria provided, multiple submitters, no conflicts (2 of 4 stars). 2 submissions from 2 submitters: Uncertain significance (2). Last evaluated 2025-04-20.

Conditions:
Glycogen storage disease type X (GSD10). Also called: GSD X; MYOPATHY DUE TO PHOSPHOGLYCERATE MUTASE DEFICIENCY; PGAMM DEFICIENCY; PHOSPHOGLYCERATE MUTASE, MUSCLE, DEFICIENCY OF; Dimauro disease; Glycogen storage disease due to phosphoglycerate mutase deficiency. Identifiers: Orphanet 97234, MedGen C0268149, MONDO:0009865, OMIM 261670.
Inborn genetic diseases. Identifiers: MedGen C0950123, MeSH D030342.

Allele frequency attached by ClinVar (database versions not stated): gnomAD 0.00001; gnomAD exomes 0.00002; TOPMed below 0.00001; ExAC 0.00001.
gnomAD v4.1: 12 of 1,613,988 alleles (0.00074%); highest among the groups gnomAD compares: Non-Finnish European, 0.001%; no homozygotes.

Submissions (2):

Ambry Genetics
Classification: Uncertain significance for Inborn genetic diseases. Last evaluated: 2025-04-20. Review status: criteria provided, single submitter. Criteria: Ambry Variant Classification Scheme 2023. Collection method: clinical testing. Allele origin: germline.

Labcorp Genetics (formerly Invitae), Labcorp
Classification: Uncertain significance for Glycogen storage disease type X. Last evaluated: 2024-02-24. Review status: criteria provided, single submitter. Criteria: Invitae Variant Classification Sherloc (09022015). Collection method: clinical testing. Allele origin: germline.
Comment: This sequence change replaces asparagine, which is neutral and polar, with lysine, which is basic and polar, at codon 17 of the PGAM2 protein (p.Asn17Lys). This variant is present in population databases (rs779880310, gnomAD 0.003%). This variant has not been reported in the literature in individuals affected with PGAM2-related conditions. ClinVar contains an entry for this variant (Variation ID: 1982149). Advanced modeling of protein sequence and biophysical properties (such as structural, functional, and spatial information, amino acid conservation, physicochemical variation, residue mobility, and thermodynamic stability) performed at Invitae indicates that this missense variant is expected to disrupt PGAM2 protein function with a positive predictive value of 80%. In summary, the available evidence is currently insufficient to determine the role of this variant in disease. Therefore, it has been classified as a Variant of Uncertain Significance.